The following is an entry in ClinVar:

ClinVar aggregate classification (germline): Uncertain significance (1 of 4 stars; one submission).

Conditions:
Choanal atresia-athelia-hypothyroidism-delayed puberty-short stature syndrome (BCAHH). Also called: BRANCHIAL ARCH ABNORMALITIES, CHOANAL ATRESIA, ATHELIA, HEARING LOSS, AND HYPOTHYROIDISM SYNDROME. Identifiers: Orphanet 589856, MedGen C5680310, MONDO:0035651, OMIM 620186.
Kabuki syndrome 1 (KABUK1). Also called: KMT2D-Related Kabuki Syndrome. Identifiers: Orphanet 2322, MedGen CN030661, MONDO:0007843, OMIM 147920.

Submission:

Institute of Immunology and Genetics Kaiserslautern
Classification: Uncertain significance for Choanal atresia-athelia-hypothyroidism-delayed puberty-short stature syndrome; Kabuki syndrome 1. Last evaluated: 2025-08-27. Review status: criteria provided, single submitter. Criteria: ACMG Guidelines, 2015. Collection method: clinical testing. Allele origin: germline. Affected: yes.
Comment: ACMG Criteria: PM2_P, PM4, PP1; Variant was found in heterozygous state.

NM_003482.4(KMT2D):c.2305_2331dup (p.Pro777_Cys778insHisLeuSerProGlnProGluGluPro)

Gene: KMT2D (lysine methyltransferase 2D; minus strand). Cytogenetic location: 12q13.12.
Variant type: Duplication.
Coding change: c.2305_2331dup on transcript NM_003482.4 (MANE Select); coding-DNA positions 2305 to 2331, 27 bases duplicated (CACCTGTCCCCCCAGCCTGAGGAGCCA).
Protein change: p.Pro777_Cys778insHisLeuSerProGlnProGluGluPro.
Molecular consequence: inframe insertion.
Genome position (GRCh38, 1-based): chr12:49,051,352-49,051,378, TGGCTCCTCAGGCTGGGGGGACAGGTG duplicated on the plus strand (CACCTGTCCCCCCAGCCTGAGGAGCCA on the coding strand, the reverse complement: KMT2D is on the minus strand); duplicating any 27 consecutive bases within chr12:49,051,352-49,051,389 gives the same sequence; the c. name uses the placement nearest the transcript's 3' end. VCF-style (leftmost placement, unchanged base first): chr12-49051351-A-ATGGCTCCTCAGGCTGGGGGGACAGGTG. GRCh37 (hg19) VCF-style: chr12-49445134-A-ATGGCTCCTCAGGCTGGGGGGACAGGTG.
Identifiers: ClinVar variation 4279047 (VCV004279047.1).